The following is an entry in ClinVar:

NM_000026.4(ADSL):c.1235C>T (p.Ser412Phe)

Gene: ADSL (adenylosuccinate lyase; plus strand). Cytogenetic location: 22q13.1.
Variant type: single nucleotide variant.
Coding change: c.1235C>T on transcript NM_000026.4 (MANE Select); coding-DNA position 1235, C replaced by T.
Protein change: p.Ser412Phe; replaces serine 412 with phenylalanine.
Molecular consequence: missense variant. On other transcripts: non-coding transcript variant (1), intron variant (1).
Genome position (GRCh38, 1-based): chr22:40,364,923, C>T. VCF-style: chr22-40364923-C-T. GRCh37 (hg19) VCF-style: chr22-40760927-C-T.
Other names: c.1043C>T, p.Ser348Phe (NM_001317923.2); c.1235C>T, p.Ser412Phe (NM_001363840.3); c.1191+558C>T (NM_001123378.3); short protein forms S348F, S412F.
Identifiers: ClinVar variation 838228 (VCV000838228.10), dbSNP rs571597579, ClinGen allele CA10247967.

ClinVar aggregate classification (germline): Uncertain significance. Review status: criteria provided, multiple submitters, no conflicts (2 of 4 stars). 3 submissions from 3 submitters: Uncertain significance (3). Last evaluated 2024-10-22.

Conditions:
Inborn genetic diseases. Identifiers: MedGen C0950123, MeSH D030342.
Adenylosuccinate lyase deficiency (ADSLD). Also called: ADSL DEFICIENCY. Identifiers: Orphanet 46, MedGen C0268126, MONDO:0007068, OMIM 103050.

Allele frequency attached by ClinVar (database versions not stated): gnomAD 0.00001; gnomAD exomes 0.00002; TOPMed 0.00002.
gnomAD v4.1: 34 of 1,614,112 alleles (0.0021%); highest among the groups gnomAD compares: Non-Finnish European, 0.0027%; no homozygotes.

Submissions (3):

Ambry Genetics
Classification: Uncertain significance for Inborn genetic diseases. Last evaluated: 2024-10-22. Review status: criteria provided, single submitter. Criteria: Ambry Variant Classification Scheme 2023. Collection method: clinical testing. Allele origin: germline.

GeneDx
Classification: Uncertain significance. Last evaluated: 2024-03-13. Review status: criteria provided, single submitter. Criteria: GeneDx Variant Classification Process June 2021. Collection method: clinical testing. Allele origin: germline. Affected: yes.
Comment: Not observed at significant frequency in large population cohorts (gnomAD); In silico analysis supports that this missense variant does not alter protein structure/function; Has not been previously published as pathogenic or benign to our knowledge

Labcorp Genetics (formerly Invitae), Labcorp
Classification: Uncertain significance for Adenylosuccinate lyase deficiency. Last evaluated: 2022-02-14. Review status: criteria provided, single submitter. Criteria: Invitae Variant Classification Sherloc (09022015). Collection method: clinical testing. Allele origin: germline.
Comment: This sequence change replaces serine, which is neutral and polar, with phenylalanine, which is neutral and non-polar, at codon 412 of the ADSL protein (p.Ser412Phe). This variant is present in population databases (rs571597579, gnomAD 0.004%). This variant has not been reported in the literature in individuals affected with ADSL-related conditions. ClinVar contains an entry for this variant (Variation ID: 838228). Advanced modeling of protein sequence and biophysical properties (such as structural, functional, and spatial information, amino acid conservation, physicochemical variation, residue mobility, and thermodynamic stability) performed at Invitae indicates that this missense variant is not expected to disrupt ADSL protein function. In summary, the available evidence is currently insufficient to determine the role of this variant in disease. Therefore, it has been classified as a Variant of Uncertain Significance.